The following is an entry in ClinVar:

NM_013276.4(SHPK):c.659C>T (p.Ser220Leu)

Gene: SHPK (sedoheptulokinase; minus strand). Cytogenetic location: 17p13.2.
Variant type: single nucleotide variant.
Coding change: c.659C>T on transcript NM_013276.4 (MANE Select); coding-DNA position 659, C replaced by T.
Protein change: p.Ser220Leu; replaces serine 220 with leucine.
Molecular consequence: missense variant.
Genome position (GRCh38, 1-based): chr17:3,621,401, G>A on the plus strand (C>T on the coding strand, the complement: SHPK is on the minus strand). VCF-style: chr17-3621401-G-A. GRCh37 (hg19) VCF-style: chr17-3524695-G-A.
Other names: c.659C>T (NM_013276.2); short protein forms S220L.
Identifiers: ClinVar variation 1473760 (VCV001473760.9), dbSNP rs147149189, ClinGen allele CA8291240.

ClinVar aggregate classification (germline): Uncertain significance. Review status: criteria provided, multiple submitters, no conflicts (2 of 4 stars). 3 submissions from 3 submitters: Uncertain significance (3). Last evaluated 2026-01-19.

Allele frequency attached by ClinVar (database versions not stated): 1000 Genomes Project 30x 0.00016; 1000 Genomes Project 0.00020; ESP Exome Variant Server 0.00069; gnomAD 0.00096; TOPMed 0.00105; ExAC 0.00110.
gnomAD v4.1: 2,632 of 1,613,758 alleles (0.16%); highest among the groups gnomAD compares: Middle Eastern, 0.61%; 18 homozygotes.

Submissions (3):

Labcorp Genetics (formerly Invitae), Labcorp
Classification: Uncertain significance. Last evaluated: 2026-01-19. Review status: criteria provided, single submitter. Criteria: Invitae Variant Classification Sherloc (09022015). Collection method: clinical testing. Allele origin: germline.
Comment: This sequence change replaces serine, which is neutral and polar, with leucine, which is neutral and non-polar, at codon 220 of the SHPK protein (p.Ser220Leu). This variant is present in population databases (rs147149189, gnomAD 0.2%), and has an allele count higher than expected for a pathogenic variant. This variant has not been reported in the literature in individuals affected with SHPK-related conditions. ClinVar contains an entry for this variant (Variation ID: 1473760). An algorithm developed to predict the effect of missense changes on protein structure and function (PolyPhen-2) suggests that this variant is likely to be tolerated. In summary, the available evidence is currently insufficient to determine the role of this variant in disease. Therefore, it has been classified as a Variant of Uncertain Significance.

Ambry Genetics
Classification: Uncertain significance. Last evaluated: 2025-07-15. Review status: criteria provided, single submitter. Criteria: Ambry Variant Classification Scheme 2023. Collection method: clinical testing. Allele origin: germline.

Breakthrough Genomics
Classification: Uncertain significance. Review status: criteria provided, single submitter. Criteria: ACMG Guidelines, 2015. Collection method: not provided. Allele origin: germline. Inheritance: Autosomal recessive inheritance. Affected: yes.